The following is an entry in ClinVar:

NM_000182.5(HADHA):c.1889G>A (p.Arg630His)

Genes: HADHA (hydroxyacyl-CoA dehydrogenase trifunctional multienzyme complex subunit alpha; minus strand), GAREM2 (GRB2 associated regulator of MAPK1 subtype 2; plus strand). Cytogenetic location: 2p23.3.
Variant type: single nucleotide variant.
Coding change: c.1889G>A on transcript NM_000182.5 (MANE Select); coding-DNA position 1889, G replaced by A.
Protein change: p.Arg630His; replaces arginine 630 with histidine.
Molecular consequence: missense variant.
Genome position (GRCh38, 1-based): chr2:26,192,421, C>T on the plus strand (G>A on the coding strand, the complement: HADHA is on the minus strand). VCF-style: chr2-26192421-C-T. GRCh37 (hg19) VCF-style: chr2-26415290-C-T.
Other names: c.1889G>A (NM_000182.4); short protein forms R630H.
Identifiers: ClinVar variation 546860 (VCV000546860.11), dbSNP rs150850348, ClinGen allele CA1559420.

ClinVar aggregate classification (germline): Uncertain significance. Review status: criteria provided, multiple submitters, no conflicts (2 of 4 stars). 4 submissions from 4 submitters: Uncertain significance (3). 1 of the submissions does not count toward it. Last evaluated 2025-06-22.

Conditions:
Long chain 3-hydroxyacyl-CoA dehydrogenase deficiency. Also called: LCHAD Deficiency; Deficiency of long-chain 3-hydroxyacyl-coenzyme A dehydrogenase. Identifiers: Orphanet 5, MedGen C3711645, MONDO:0012173, OMIM 609016.
Inborn genetic diseases. Identifiers: MedGen C0950123, MeSH D030342.
Mitochondrial trifunctional protein deficiency. Identifiers: Orphanet 746, MedGen C1969443, MONDO:0012172.

Allele frequency attached by ClinVar (database versions not stated): ExAC 0.00001; gnomAD exomes 0.00001; gnomAD 0.00002; TOPMed 0.00002; ESP Exome Variant Server 0.00015.
gnomAD v4.1: 16 of 1,514,180 alleles (0.0011%); highest among the groups gnomAD compares: Middle Eastern, 0.017%; no homozygotes.

Submissions (4):

Ambry Genetics
Classification: Uncertain significance for Inborn genetic diseases. Last evaluated: 2025-06-22. Review status: criteria provided, single submitter. Criteria: Ambry Variant Classification Scheme 2023. Collection method: clinical testing. Allele origin: germline.

Labcorp Genetics (formerly Invitae), Labcorp
Classification: Uncertain significance for Mitochondrial trifunctional protein deficiency; Long chain 3-hydroxyacyl-CoA dehydrogenase deficiency. Last evaluated: 2021-08-27. Review status: criteria provided, single submitter. Criteria: Invitae Variant Classification Sherloc (09022015). Collection method: clinical testing. Allele origin: germline.
Comment: This sequence change replaces arginine with histidine at codon 630 of the HADHA protein (p.Arg630His). The arginine residue is highly conserved and there is a small physicochemical difference between arginine and histidine. This variant is present in population databases (rs150850348, ExAC 0.01%). This variant has not been reported in the literature in individuals affected with HADHA-related conditions. ClinVar contains an entry for this variant (Variation ID: 546860). Algorithms developed to predict the effect of missense changes on protein structure and function are either unavailable or do not agree on the potential impact of this missense change (SIFT: "Deleterious"; PolyPhen-2: "Benign"; Align-GVGD: "Class C0"). In summary, the available evidence is currently insufficient to determine the role of this variant in disease. Therefore, it has been classified as a Variant of Uncertain Significance.

CeGaT Center for Human Genetics Tuebingen
Classification: Uncertain significance. Last evaluated: 2018-03-31. Review status: criteria provided, single submitter. Criteria: Praxis fuer Humangenetik Tuebingen - Variant Classification Criteria. Collection method: clinical testing. Allele origin: germline. Affected: yes. Observed: 1 variant allele.

Natera, Inc.
Classification: Uncertain significance for Deficiency of long-chain 3-hydroxyacyl-coenzyme A dehydrogenase. Last evaluated: 2020-12-18. Review status: no assertion criteria provided. Collection method: clinical testing. Allele origin: germline. Not counted in ClinVar's aggregate classification.